The following is an entry in ClinVar:

NM_020297.4(ABCC9):c.1933A>G (p.Lys645Glu)

Gene: ABCC9 (ATP binding cassette subfamily C member 9; minus strand). Cytogenetic location: 12p12.1.
Variant type: single nucleotide variant.
Coding change: c.1933A>G on transcript NM_020297.4 (MANE Select); coding-DNA position 1933, A replaced by G.
Protein change: p.Lys645Glu; replaces lysine 645 with glutamic acid.
Molecular consequence: missense variant.
Genome position (GRCh38, 1-based): chr12:21,882,852, T>C on the plus strand (A>G on the coding strand, the complement: ABCC9 is on the minus strand). VCF-style: chr12-21882852-T-C. GRCh37 (hg19) VCF-style: chr12-22035786-T-C.
Other names: c.1933A>G, p.Lys645Glu (NM_001377273.1, NM_005691.4); c.1069A>G, p.Lys357Glu (NM_001377274.1); short protein forms K645E, K357E.
Identifiers: ClinVar variation 228419 (VCV000228419.13), dbSNP rs876657734, ClinGen allele CA10576916.

ClinVar aggregate classification (germline): Uncertain significance. Review status: criteria provided, multiple submitters, no conflicts (2 of 4 stars). 2 submissions from 2 submitters: Uncertain significance (2). Last evaluated 2024-06-18.

Conditions:
Dilated cardiomyopathy 1O (CMD1O). Also called: CARDIOMYOPATHY, DILATED, WITH VENTRICULAR TACHYCARDIA. Identifiers: Orphanet 154, MedGen C1837839, MONDO:0012062, OMIM 608569.

Allele frequency attached by ClinVar (database versions not stated): gnomAD exomes below 0.00001; gnomAD 0.00001; TOPMed 0.00001.
gnomAD v4.1: 4 of 1,613,930 alleles (0.00025%); highest among the groups gnomAD compares: Non-Finnish European, 0.00034%; no homozygotes.

Submissions (2):

Labcorp Genetics (formerly Invitae), Labcorp
Classification: Uncertain significance for Dilated cardiomyopathy 1O. Last evaluated: 2024-06-18. Review status: criteria provided, single submitter. Criteria: Invitae Variant Classification Sherloc (09022015). Collection method: clinical testing. Allele origin: germline.
Comment: This sequence change replaces lysine, which is basic and polar, with glutamic acid, which is acidic and polar, at codon 645 of the ABCC9 protein (p.Lys645Glu). This variant is not present in population databases (gnomAD no frequency). This variant has not been reported in the literature in individuals affected with ABCC9-related conditions. ClinVar contains an entry for this variant (Variation ID: 228419). Advanced modeling of protein sequence and biophysical properties (such as structural, functional, and spatial information, amino acid conservation, physicochemical variation, residue mobility, and thermodynamic stability) performed at Invitae indicates that this missense variant is expected to disrupt ABCC9 protein function with a positive predictive value of 95%. In summary, the available evidence is currently insufficient to determine the role of this variant in disease. Therefore, it has been classified as a Variant of Uncertain Significance.

Laboratory for Molecular Medicine, Mass General Brigham Personalized Medicine
Classification: Uncertain significance. Last evaluated: 2015-04-10. Review status: criteria provided, single submitter. Criteria: LMM Criteria. Collection method: clinical testing. Allele origin: germline. Observed: 1 variant allele.
Comment: The p.Lys645Glu variant in ABCC9 has not been previously reported in individuals with cardiomyopathy or large population studies. Computational prediction tools and conservation analysis do not provide strong support for or against an impac t to the protein. In summary, the clinical significance of the p.Lys645Glu varia nt is uncertain.